The following is an entry in ClinVar:

NM_003560.4(PLA2G6):c.853C>T (p.Arg285Cys)

Gene: PLA2G6 (phospholipase A2 group VI; minus strand). Cytogenetic location: 22q13.1.
Variant type: single nucleotide variant.
Coding change: c.853C>T on transcript NM_003560.4 (MANE Select); coding-DNA position 853, C replaced by T.
Protein change: p.Arg285Cys; replaces arginine 285 with cysteine.
Molecular consequence: missense variant.
Genome position (GRCh38, 1-based): chr22:38,135,029, G>A on the plus strand (C>T on the coding strand, the complement: PLA2G6 is on the minus strand). VCF-style: chr22-38135029-G-A. GRCh37 (hg19) VCF-style: chr22-38531036-G-A.
Other names: c.853C>T, p.Arg285Cys (NM_001004426.3, NM_001199562.3, NM_001349864.2 and 2 more transcripts); c.319C>T, p.Arg107Cys (NM_001349867.2, NM_001349869.2); c.175C>T, p.Arg59Cys (NM_001349868.2); short protein forms R285C, R107C, R59C.
Identifiers: ClinVar variation 2144623 (VCV002144623.3), dbSNP rs201190836, ClinGen allele CA10231124.

ClinVar aggregate classification (germline): Uncertain significance (1 of 4 stars; one submission).

Conditions:
Infantile neuroaxonal dystrophy (NBIA2A). Also called: NEURODEGENERATION WITH BRAIN IRON ACCUMULATION 2A; SEITELBERGER DISEASE; Infantile neuroaxonal dystrophy 1. Identifiers: Orphanet 35069, MedGen C0270724, MONDO:0024457, OMIM 256600.

Allele frequency attached by ClinVar (database versions not stated): ExAC 0.00005; 1000 Genomes Project 30x 0.00016; gnomAD 0.00002; TOPMed 0.00002; gnomAD exomes 0.00007; 1000 Genomes Project 0.00020.
gnomAD v4.1: 96 of 1,494,196 alleles (0.0064%); highest among the groups gnomAD compares: Non-Finnish European, 0.0077%; no homozygotes.

Submission:

Labcorp Genetics (formerly Invitae), Labcorp
Classification: Uncertain significance for Infantile neuroaxonal dystrophy. Last evaluated: 2024-04-24. Review status: criteria provided, single submitter. Criteria: Invitae Variant Classification Sherloc (09022015). Collection method: clinical testing. Allele origin: germline.
Comment: This sequence change replaces arginine, which is basic and polar, with cysteine, which is neutral and slightly polar, at codon 285 of the PLA2G6 protein (p.Arg285Cys). This variant is present in population databases (rs201190836, gnomAD 0.004%). This variant has not been reported in the literature in individuals affected with PLA2G6-related conditions. ClinVar contains an entry for this variant (Variation ID: 2144623). Advanced modeling of protein sequence and biophysical properties (such as structural, functional, and spatial information, amino acid conservation, physicochemical variation, residue mobility, and thermodynamic stability) has been performed at Invitae for this missense variant, however the output from this modeling did not meet the statistical confidence thresholds required to predict the impact of this variant on PLA2G6 protein function. In summary, the available evidence is currently insufficient to determine the role of this variant in disease. Therefore, it has been classified as a Variant of Uncertain Significance.